The following is an entry in ClinVar:

ClinVar aggregate classification (germline): Uncertain significance (1 of 4 stars; one submission).

Conditions:
Heterotaxy, visceral, 5, autosomal (HTX5). Also called: Heterotaxy, visceral, 5. Identifiers: Orphanet 450, MedGen C3495537, MONDO:0700112, OMIM 270100.

Submission:

Baylor Genetics
Classification: Uncertain significance for Heterotaxy, visceral, 5, autosomal. Last evaluated: 2019-07-31. Review status: criteria provided, single submitter. Criteria: ACMG Guidelines, 2015. Collection method: clinical testing. Allele origin: unknown. Affected: yes.
Comment: This variant was determined to be of uncertain significance according to ACMG Guidelines, 2015 [PMID:25741868].

NM_018055.5(NODAL):c.926C>T (p.Pro309Leu)

Gene: NODAL (nodal growth differentiation factor; minus strand). Cytogenetic location: 10q22.1.
Variant type: single nucleotide variant.
Coding change: c.926C>T on transcript NM_018055.5 (MANE Select); coding-DNA position 926, C replaced by T.
Protein change: p.Pro309Leu; replaces proline 309 with leucine.
Molecular consequence: missense variant.
Genome position (GRCh38, 1-based): chr10:70,433,054, G>A on the plus strand (C>T on the coding strand, the complement: NODAL is on the minus strand). VCF-style: chr10-70433054-G-A. GRCh37 (hg19) VCF-style: chr10-72192810-G-A.
Other names: c.527C>T, p.Pro176Leu (NM_001329906.2); short protein forms P176L, P309L.
Identifiers: ClinVar variation 1028081 (VCV001028081.1), dbSNP rs1845289922, ClinGen allele CA376945057.